The following is an entry in ClinVar:

NM_006767.4(LZTR1):c.490del (p.Glu164fs)

Gene: LZTR1 (leucine zipper like post translational regulator 1; plus strand). Cytogenetic location: 22q11.21.
Variant type: Deletion.
Coding change: c.490del on transcript NM_006767.4 (MANE Select); coding-DNA position 490, one base deleted (G; older notation c.490delG).
Protein change: p.Glu164fs; shifts the reading frame from glutamic acid 164.
Molecular consequence: frameshift variant.
Genome position (GRCh38, 1-based): chr22:20,988,099, G deleted; the last of 2 consecutive G bases (chr22:20,988,098-20,988,099); deleting either gives the same sequence. VCF-style (leftmost placement, unchanged base first): chr22-20988097-CG-C. GRCh37 (hg19) VCF-style: chr22-21342386-CG-C.
Other names: short protein forms E164fs.
Identifiers: ClinVar variation 2079438 (VCV002079438.4), dbSNP rs2518613369, ClinGen allele CA2580099175.

ClinVar aggregate classification (germline): Pathogenic (1 of 4 stars; one submission).

Submission:

Labcorp Genetics (formerly Invitae), Labcorp
Classification: Pathogenic. Last evaluated: 2025-11-17. Review status: criteria provided, single submitter. Criteria: Invitae Variant Classification Sherloc (09022015). Collection method: clinical testing. Allele origin: germline.
Comment: This sequence change creates a premature translational stop signal (p.Glu164Serfs*36) in the LZTR1 gene. It is expected to result in an absent or disrupted protein product. Loss-of-function variants in LZTR1 are known to be pathogenic (PMID: 24362817, 25335493, 25480913, 25795793, 29469822, 30368668, 30442762, 30442766, 30481304, 30859559). This variant is not present in population databases (gnomAD no frequency). This variant has not been reported in the literature in individuals affected with LZTR1-related conditions. ClinVar contains an entry for this variant (Variation ID: 2079438). For these reasons, this variant has been classified as Pathogenic.

Literature cited by the submitters: PubMed 24362817; PubMed 25335493; PubMed 25480913; PubMed 25795793; PubMed 29469822; PubMed 30368668; PubMed 30442762; PubMed 30442766; PubMed 30481304; PubMed 30859559.